The following is an entry in ClinVar:

ClinVar aggregate classification (germline): Likely benign (1 of 4 stars; one submission).

Allele frequency attached by ClinVar (database versions not stated): gnomAD 0.00470 and 0.00504; TOPMed 0.00541; 1000 Genomes Project 0.00579; 1000 Genomes Project 30x 0.00593.

Submission:

GeneDx
Classification: Likely benign. Last evaluated: 2018-06-14. Review status: criteria provided, single submitter. Criteria: GeneDx Variant Classification (06012015). Collection method: clinical testing. Allele origin: germline. Affected: yes.
Comment: This variant is considered likely benign or benign based on one or more of the following criteria: it is a conservative change, it occurs at a poorly conserved position in the protein, it is predicted to be benign by multiple in silico algorithms, and/or has population frequency not consistent with disease.

NM_000548.5(TSC2):c.138+211T>C

Gene: TSC2 (TSC complex subunit 2; plus strand). Cytogenetic location: 16p13.3.
Variant type: single nucleotide variant.
Coding change: c.138+211T>C on transcript NM_000548.5 (MANE Select); 211 bases into the intron after coding-DNA position 138, T replaced by C.
Molecular consequence: intron variant.
Genome position (GRCh38, 1-based): chr16:2,048,964, T>C. VCF-style: chr16-2048964-T-C. GRCh37 (hg19) VCF-style: chr16-2098965-T-C.
Other names: c.138+211T>C (NM_001114382.3, NM_021055.3, NM_001370405.1 and 4 more transcripts); c.-89+211T>C (NM_001318831.2); c.-10+899T>C (NM_001318829.2); c.171+211T>C (NM_001318832.2).
Identifiers: ClinVar variation 677676 (VCV000677676.1), dbSNP rs3211962, ClinGen allele CA276768714.